The following is an entry in ClinVar:

ClinVar aggregate classification (germline): Uncertain significance (1 of 4 stars; one submission).

gnomAD v4.1: 1 of 1,614,036 alleles (0.000062%); highest among the groups gnomAD compares: Non-Finnish European, 0.000085%; no homozygotes.

Submission:

Labcorp Genetics (formerly Invitae), Labcorp
Classification: Uncertain significance. Last evaluated: 2024-03-19. Review status: criteria provided, single submitter. Criteria: Invitae Variant Classification Sherloc (09022015). Collection method: clinical testing. Allele origin: germline.
Comment: This sequence change replaces phenylalanine, which is neutral and non-polar, with serine, which is neutral and polar, at codon 285 of the POLE protein (p.Phe285Ser). This variant is not present in population databases (gnomAD no frequency). This variant has not been reported in the literature in individuals affected with POLE-related conditions. Advanced modeling of protein sequence and biophysical properties (such as structural, functional, and spatial information, amino acid conservation, physicochemical variation, residue mobility, and thermodynamic stability) performed at Invitae indicates that this missense variant is expected to disrupt POLE protein function with a positive predictive value of 80%. In summary, the available evidence is currently insufficient to determine the role of this variant in disease. Therefore, it has been classified as a Variant of Uncertain Significance.

NM_006231.4(POLE):c.854T>C (p.Phe285Ser)

Gene: POLE (DNA polymerase epsilon, catalytic subunit; minus strand). Cytogenetic location: 12q24.33.
Variant type: single nucleotide variant.
Coding change: c.854T>C on transcript NM_006231.4 (MANE Select); coding-DNA position 854, T replaced by C.
Protein change: p.Phe285Ser; replaces phenylalanine 285 with serine.
Molecular consequence: missense variant.
Genome position (GRCh38, 1-based): chr12:132,676,601, A>G on the plus strand (T>C on the coding strand, the complement: POLE is on the minus strand). VCF-style: chr12-132676601-A-G. GRCh37 (hg19) VCF-style: chr12-133253187-A-G.
Other names: short protein forms F285S.
Identifiers: ClinVar variation 3621157 (VCV003621157.2).